The following is an entry in ClinVar:

NM_021008.4(DEAF1):c.398C>T (p.Thr133Met)

Gene: DEAF1 (DEAF1 transcription factor; minus strand). Cytogenetic location: 11p15.5.
Variant type: single nucleotide variant.
Coding change: c.398C>T on transcript NM_021008.4 (MANE Select); coding-DNA position 398, C replaced by T.
Protein change: p.Thr133Met; replaces threonine 133 with methionine.
Molecular consequence: missense variant. On other transcripts: 5 prime UTR variant (1).
Genome position (GRCh38, 1-based): chr11:688,450, G>A on the plus strand (C>T on the coding strand, the complement: DEAF1 is on the minus strand). VCF-style: chr11-688450-G-A. GRCh37 (hg19) VCF-style: chr11-688450-G-A.
Other names: c.398C>T, p.Thr133Met (NM_001293634.2); c.-329C>T (NM_001367390.1); short protein forms T133M.
Identifiers: ClinVar variation 3676710 (VCV003676710.2).
Genomic context (GRCh38, chr11:688,450, plus strand): 5'-GTGTGGACGACAATCAGTGTCGCTTTTTCGGTGTTCAGGCTGTCCCCGATCTGAAGGGCC[G>A]TCCTACCAGACTAGAAGGAAAAACCGCTCCGTCAGGTCACGTCCGAGAGTGACACCAGGC-3'
Protein context (NP_066288.2, residues 123-143): SISGHVLSGR[Thr133Met]ALQIGDSLNT

ClinVar aggregate classification (germline): Uncertain significance (1 of 4 stars; one submission).

gnomAD v4.1: 2 of 1,613,620 alleles (0.00012%); highest among the groups gnomAD compares: African/African-American, 0.0013%; no homozygotes.

Submission:

Labcorp Genetics (formerly Invitae), Labcorp
Classification: Uncertain significance. Last evaluated: 2024-05-23. Review status: criteria provided, single submitter. Criteria: Invitae Variant Classification Sherloc (09022015). Collection method: clinical testing. Allele origin: germline.
Comment: This sequence change replaces threonine, which is neutral and polar, with methionine, which is neutral and non-polar, at codon 133 of the DEAF1 protein (p.Thr133Met). This variant is present in population databases (no rsID available, gnomAD 0.01%). This variant has not been reported in the literature in individuals affected with DEAF1-related conditions. Advanced modeling of protein sequence and biophysical properties (such as structural, functional, and spatial information, amino acid conservation, physicochemical variation, residue mobility, and thermodynamic stability) performed at Invitae indicates that this missense variant is expected to disrupt DEAF1 protein function with a positive predictive value of 95%. In summary, the available evidence is currently insufficient to determine the role of this variant in disease. Therefore, it has been classified as a Variant of Uncertain Significance.